The following is an entry in ClinVar:

NM_000465.4(BARD1):c.896C>G (p.Thr299Ser)

Gene: BARD1 (BRCA1 associated RING domain 1; minus strand). Cytogenetic location: 2q35.
Variant type: single nucleotide variant.
Coding change: c.896C>G on transcript NM_000465.4 (MANE Select); coding-DNA position 896, C replaced by G.
Protein change: p.Thr299Ser; replaces threonine 299 with serine.
Molecular consequence: missense variant. On other transcripts: non-coding transcript variant (2), intron variant (3).
Genome position (GRCh38, 1-based): chr2:214,780,978, G>C on the plus strand (C>G on the coding strand, the complement: BARD1 is on the minus strand). VCF-style: chr2-214780978-G-C. GRCh37 (hg19) VCF-style: chr2-215645702-G-C.
Other names: c.839C>G, p.Thr280Ser (NM_001282543.2); c.159-28423C>G (NM_001282548.2); c.215+16083C>G (NM_001282545.2); c.364+11319C>G (NM_001282549.2); short protein forms T299S, T280S.
Identifiers: ClinVar variation 232466 (VCV000232466.15), dbSNP rs141934748, ClinGen allele CA10577830.
Genomic context (GRCh38, chr2:214,780,978, plus strand): 5'-TTATTTTCTAATGGCAAAGATTTCTTAGATGTAAGATAATTTTTGCAGACCTTCTCAGGA[G>C]TCACTACTTCATTCCTGCTCTTAGTGTCTGGAGACTCTATTTGCTCAGCCAATGGTAAAG-3'
Protein context (NP_000456.2, residues 289-309): PDTKSRNEVV[Thr299Ser]PEKVCKNYLT

ClinVar aggregate classification (germline): Conflicting classifications of pathogenicity. Review status: criteria provided, conflicting classifications (1 of 4 stars). 2 submissions from 2 submitters: Uncertain significance (1); Likely benign (1). Last evaluated 2025-09-10.

Conditions:
Familial cancer of breast. Also called: BREAST CANCER, FAMILIAL; hereditary breast carcinoma; Hereditary breast cancer. Identifiers: Orphanet 227535, MedGen C0346153, MONDO:0016419, OMIM 114480. Disease mechanism: loss of function.
Hereditary cancer-predisposing syndrome. Also called: Neoplastic Syndromes, Hereditary; Tumor predisposition; Hereditary Cancer Syndrome; Hereditary neoplastic syndrome. Identifiers: Orphanet 140162, MedGen C0027672, MeSH D009386, MONDO:0015356.

Submissions (2):

Ambry Genetics
Classification: Likely benign for Hereditary cancer-predisposing syndrome. Last evaluated: 2025-09-10. Review status: criteria provided, single submitter. Criteria: Ambry Variant Classification Scheme 2023. Collection method: clinical testing. Allele origin: germline.

Labcorp Genetics (formerly Invitae), Labcorp
Classification: Uncertain significance for Familial cancer of breast. Last evaluated: 2025-09-08. Review status: criteria provided, single submitter. Criteria: Invitae Variant Classification Sherloc (09022015). Collection method: clinical testing. Allele origin: germline.
Comment: This sequence change replaces threonine, which is neutral and polar, with serine, which is neutral and polar, at codon 299 of the BARD1 protein (p.Thr299Ser). This variant is not present in population databases (gnomAD no frequency). This variant has not been reported in the literature in individuals affected with BARD1-related conditions. ClinVar contains an entry for this variant (Variation ID: 232466). An algorithm developed to predict the effect of missense changes on protein structure and function outputs the following: PolyPhen-2: "Benign". The serine amino acid residue is found in multiple mammalian species, which suggests that this missense change does not adversely affect protein function. In summary, the available evidence is currently insufficient to determine the role of this variant in disease. Therefore, it has been classified as a Variant of Uncertain Significance.